The following is an entry in ClinVar:

NM_003235.5(TG):c.7640T>A (p.Leu2547Gln)

Gene: TG (thyroglobulin; plus strand). Cytogenetic location: 8q24.22.
Variant type: single nucleotide variant.
Coding change: c.7640T>A on transcript NM_003235.5 (MANE Select); coding-DNA position 7640, T replaced by A.
Protein change: p.Leu2547Gln; replaces leucine 2547 with glutamine.
Molecular consequence: missense variant.
Genome position (GRCh38, 1-based): chr8:133,113,489, T>A. VCF-style: chr8-133113489-T-A. GRCh37 (hg19) VCF-style: chr8-134125733-T-A.
Other names: short protein forms L2547Q.
Identifiers: ClinVar variation 361998 (VCV000361998.20), dbSNP rs2979042, ClinGen allele CA4885727.

ClinVar aggregate classification (germline): Benign/Likely benign. Review status: criteria provided, multiple submitters, no conflicts (2 of 4 stars). 6 submissions from 6 submitters: Benign (2); Likely benign (3). 1 of the submissions does not count toward it. Last evaluated 2026-05-11.

Conditions:
TG-related disorder. Also called: TG-related condition; TG-related disorders.
Iodotyrosyl coupling defect (TDH3). Also called: HYPOTHYROIDISM, CONGENITAL, DUE TO DYSHORMONOGENESIS, 3; THYROID HORMONOGENESIS, GENETIC DEFECT IN, 3. Identifiers: Orphanet 95716, MedGen C0342194, MONDO:0010135, OMIM 274700.

Allele frequency attached by ClinVar (database versions not stated): gnomAD 0.00008 and 0.00107; TOPMed 0.00026; 1000 Genomes Project 30x 0.00750; 1000 Genomes Project 0.00759.
gnomAD v4.1: 3,086 of 1,614,086 alleles (0.19%); highest among the groups gnomAD compares: South Asian, 3.2%; 88 homozygotes.

Submissions (6):

Women's Health and Genetics/Laboratory Corporation of America, LabCorp
Classification: Likely benign. Last evaluated: 2026-05-11. Review status: criteria provided, single submitter. Criteria: LabCorp Variant Classification Summary - May 2015. Collection method: clinical testing. Allele origin: germline.

Labcorp Genetics (formerly Invitae), Labcorp
Classification: Benign. Last evaluated: 2026-01-28. Review status: criteria provided, single submitter. Criteria: Invitae Variant Classification Sherloc (09022015). Collection method: clinical testing. Allele origin: germline.

CeGaT Center for Human Genetics Tuebingen
Classification: Benign. Last evaluated: 2026-01-01. Review status: criteria provided, single submitter. Criteria: CeGaT Center For Human Genetics Tuebingen Variant Classification Criteria Version 2. Collection method: clinical testing. Allele origin: germline. Affected: yes. Observed: 1 variant allele.
Comment: TG: BS1, BS2

Illumina Laboratory Services, Illumina
Classification: Likely benign for Iodotyrosyl coupling defect. Last evaluated: 2018-01-12. Review status: criteria provided, single submitter. Criteria: ICSL Variant Classification Criteria 13 December 2019. Collection method: clinical testing. Allele origin: germline.
Comment: This variant was observed in the ICSL laboratory as part of a predisposition screen in an ostensibly healthy population. It had not been previously curated by ICSL or reported in the Human Gene Mutation Database (HGMD: prior to June 1st, 2018), and was therefore a candidate for classification through an automated scoring system. Utilizing variant allele frequency, disease prevalence and penetrance estimates, and inheritance mode, an automated score was calculated to assess if this variant is too frequent to cause the disease. Based on the score and internal cut-off values, a variant classified as likely benign is not then subjected to further curation. The score for this variant resulted in a classification of likely benign for this disease.

Breakthrough Genomics
Classification: Likely benign. Review status: criteria provided, single submitter. Criteria: ACMG Guidelines, 2015. Collection method: not provided. Allele origin: germline. Inheritance: Autosomal recessive inheritance. Affected: yes.

PreventionGenetics, part of Exact Sciences
Classification: Benign for TG-related condition. Last evaluated: 2019-03-20. Review status: no assertion criteria provided. Collection method: clinical testing. Allele origin: germline. Not counted in ClinVar's aggregate classification.
Comment: This variant is classified as benign based on ACMG/AMP sequence variant interpretation guidelines (Richards et al. 2015 PMID: 25741868, with internal and published modifications).